The following is an entry in ClinVar:

ClinVar aggregate classification (germline): Likely benign. Review status: criteria provided, multiple submitters, no conflicts (2 of 4 stars). 3 submissions from 3 submitters: Likely benign (3). Last evaluated 2026-01-01.

Conditions:
Spermatogenic failure 18. Identifiers: MedGen C4539783, MONDO:0054615, OMIM 617576.
Ciliary dyskinesia, primary, 37 (CILD37). Also called: CILIARY DYSKINESIA, PRIMARY, 37, WITH OR WITHOUT SITUS INVERSUS. Identifiers: MedGen C4539798, MONDO:0033204, OMIM 617577.

Allele frequency attached by ClinVar (database versions not stated): gnomAD 0.00006; TOPMed 0.00009; gnomAD exomes 0.00015; ExAC 0.00026.
gnomAD v4.1: 149 of 1,598,304 alleles (0.0093%); highest among the groups gnomAD compares: Middle Eastern, 0.084%; no homozygotes.

Submissions (3):

CeGaT Center for Human Genetics Tuebingen
Classification: Likely benign. Last evaluated: 2026-01-01. Review status: criteria provided, single submitter. Criteria: CeGaT Center For Human Genetics Tuebingen Variant Classification Criteria Version 2. Collection method: clinical testing. Allele origin: germline. Affected: yes. Observed: 1 variant allele.
Comment: DNAH1: BP4, BP7

Labcorp Genetics (formerly Invitae), Labcorp
Classification: Likely benign for Ciliary dyskinesia, primary, 37; Spermatogenic failure 18. Last evaluated: 2025-11-18. Review status: criteria provided, single submitter. Criteria: Invitae Variant Classification Sherloc (09022015). Collection method: clinical testing. Allele origin: germline.

Blueprint Genetics
Classification: Likely benign. Last evaluated: 2024-10-11. Review status: criteria provided, single submitter. Criteria: ACMG Guidelines, 2015. Collection method: clinical testing. Allele origin: germline.

NM_015512.5(DNAH1):c.6519C>T (p.Tyr2173=)

Gene: DNAH1 (dynein axonemal heavy chain 1; plus strand). Cytogenetic location: 3p21.1.
Variant type: single nucleotide variant.
Coding change: c.6519C>T on transcript NM_015512.5 (MANE Select); coding-DNA position 6519, C replaced by T.
Protein change: p.Tyr2173=; no amino-acid change (tyrosine 2173 retained).
Molecular consequence: synonymous variant.
Genome position (GRCh38, 1-based): chr3:52,370,819, C>T. VCF-style: chr3-52370819-C-T. GRCh37 (hg19) VCF-style: chr3-52404835-C-T.
Identifiers: ClinVar variation 1101685 (VCV001101685.12), dbSNP rs777504039, ClinGen allele CA2434541.